The following is an entry in ClinVar:

Conditions:
Breast-ovarian cancer, familial, susceptibility to, 1 (BROVCA1). Also called: BRCA1 Hereditary Breast and Ovarian Cancer; OVARIAN CANCER, SUSCEPTIBILITY TO. Identifiers: Orphanet 145, MedGen C2676676, MONDO:0011450, OMIM 604370. Disease mechanism: loss of function.

Submission:

Brotman Baty Institute, University of Washington
No classification provided (evidence only). Condition: Breast-ovarian cancer, familial 1. Review status: no classification provided. Collection method: in vitro. Allele origin: not applicable. Functional consequence: functionally_normal.
ClinVar note: "not provided" was previously submitted as the classification for the variant. However, the classification appeared to be based only on an observation of functional data so it was converted to no classification on 2025-07-30.

NM_007294.4(BRCA1):c.5484T>G (p.Cys1828Trp)

Gene: BRCA1 (BRCA1 DNA repair associated; minus strand). Cytogenetic location: 17q21.31.
Variant type: single nucleotide variant.
Coding change: c.5484T>G on transcript NM_007294.4 (MANE Select); coding-DNA position 5484, T replaced by G.
Protein change: p.Cys1828Trp; replaces cysteine 1828 with tryptophan.
Molecular consequence: missense variant. On other transcripts: stop lost (17), non-coding transcript variant (1).
Genome position (GRCh38, 1-based): chr17:43,045,786, A>C on the plus strand (T>G on the coding strand, the complement: BRCA1 is on the minus strand). VCF-style: chr17-43045786-A-C. GRCh37 (hg19) VCF-style: chr17-41197803-A-C.
Other names: *700G; c.5340T>G, p.Cys1780Trp (NM_001407752.1, NM_001407733.1, NM_001407734.1 and 18 more transcripts); c.5337T>G, p.Cys1779Trp (NM_001407838.1, NM_001407839.1, NM_001407841.1 and 12 more transcripts); c.5361T>G, p.Cys1787Trp (NM_001407669.1, NM_001407664.1, NM_001407665.1 and 3 more transcripts); c.5358T>G, p.Cys1786Trp (NM_001407670.1, NM_001407671.1, NM_001407672.1 and 8 more transcripts); c.5484T>G, p.Cys1828Trp (NM_001407605.1, NM_001407593.1, NM_001407594.1 and 5 more transcripts); c.5481T>G, p.Cys1827Trp (NM_001407610.1, NM_001407611.1, NM_001407612.1 and 14 more transcripts); c.5478T>G, p.Cys1826Trp (NM_001407628.1, NM_001407629.1, NM_001407630.1 and 13 more transcripts); and 84 more; short protein forms C1828W, C1781W, C1849W, C724W, C1700W, C1717W, C1759W, C1785W.
Identifiers: ClinVar variation 868582 (VCV000868582.3), dbSNP rs2050885130, ClinGen allele CA10590341.